The following is an entry in ClinVar:

NM_004655.4(AXIN2):c.1643A>T (p.Glu548Val)

Gene: AXIN2 (axin 2; minus strand). Cytogenetic location: 17q24.1.
Variant type: single nucleotide variant.
Coding change: c.1643A>T on transcript NM_004655.4 (MANE Select); coding-DNA position 1643, A replaced by T.
Protein change: p.Glu548Val; replaces glutamic acid 548 with valine.
Molecular consequence: missense variant.
Genome position (GRCh38, 1-based): chr17:65,537,393, T>A on the plus strand (A>T on the coding strand, the complement: AXIN2 is on the minus strand). VCF-style: chr17-65537393-T-A. GRCh37 (hg19) VCF-style: chr17-63533511-T-A.
Other names: c.1643A>T, p.Glu548Val (NM_001363813.1); short protein forms E548V.
Identifiers: ClinVar variation 1777087 (VCV001777087.2), dbSNP rs753407346, ClinGen allele CA400677036.

ClinVar aggregate classification (germline): Uncertain significance (1 of 4 stars; one submission).

Conditions:
Hereditary cancer-predisposing syndrome. Also called: Neoplastic Syndromes, Hereditary; Tumor predisposition; Hereditary Cancer Syndrome; Hereditary neoplastic syndrome. Identifiers: Orphanet 140162, MedGen C0027672, MeSH D009386, MONDO:0015356.

Submission:

Ambry Genetics
Classification: Uncertain significance for Hereditary cancer-predisposing syndrome. Last evaluated: 2021-12-11. Review status: criteria provided, single submitter. Criteria: Ambry Variant Classification Scheme 2023. Collection method: clinical testing. Allele origin: germline.
Comment: The p.E548V variant (also known as c.1643A>T), located in coding exon 5 of the AXIN2 gene, results from an A to T substitution at nucleotide position 1643. The glutamic acid at codon 548 is replaced by valine, an amino acid with dissimilar properties. This amino acid position is conserved. In addition, this alteration is predicted to be tolerated by in silico analysis. Since supporting evidence is limited at this time, the clinical significance of this alteration remains unclear.